The following is an entry in ClinVar:

NM_006662.3(SRCAP):c.294A>G (p.Glu98=)

Gene: SRCAP (Snf2 related CREBBP activator protein; plus strand). Cytogenetic location: 16p11.2.
Variant type: single nucleotide variant.
Coding change: c.294A>G on transcript NM_006662.3 (MANE Select); coding-DNA position 294, A replaced by G.
Protein change: p.Glu98=; no amino-acid change (glutamic acid 98 retained).
Molecular consequence: synonymous variant.
Genome position (GRCh38, 1-based): chr16:30,704,303, A>G. VCF-style: chr16-30704303-A-G. GRCh37 (hg19) VCF-style: chr16-30715624-A-G.
Other names: c.294A>G (NM_006662.2).
Identifiers: ClinVar variation 3015787 (VCV003015787.9), dbSNP rs545982078, ClinGen allele CA280501113.

ClinVar aggregate classification (germline): Likely benign. Review status: criteria provided, multiple submitters, no conflicts (2 of 4 stars). 3 submissions from 3 submitters: Likely benign (2). 1 of the submissions does not count toward it. Last evaluated 2026-02-01.

Conditions:
SRCAP-related disorder. Also called: SRCAP-related condition.

Allele frequency attached by ClinVar (database versions not stated): gnomAD 0.00001; TOPMed 0.00002; gnomAD exomes 0.00003.
gnomAD v4.1: 45 of 1,611,328 alleles (0.0028%); highest among the groups gnomAD compares: Middle Eastern, 0.2%; no homozygotes.

Submissions (3):

CeGaT Center for Human Genetics Tuebingen
Classification: Likely benign. Last evaluated: 2026-02-01. Review status: criteria provided, single submitter. Criteria: CeGaT Center For Human Genetics Tuebingen Variant Classification Criteria Version 2. Collection method: clinical testing. Allele origin: germline. Affected: yes. Observed: 1 variant allele.
Comment: SRCAP: BP4, BP7

Labcorp Genetics (formerly Invitae), Labcorp
Classification: Likely benign. Last evaluated: 2023-11-22. Review status: criteria provided, single submitter. Criteria: Invitae Variant Classification Sherloc (09022015). Collection method: clinical testing. Allele origin: germline.

PreventionGenetics, part of Exact Sciences
Classification: Likely benign for SRCAP-related condition. Last evaluated: 2019-03-01. Review status: no assertion criteria provided. Collection method: clinical testing. Allele origin: germline. Not counted in ClinVar's aggregate classification.
Comment: This variant is classified as likely benign based on ACMG/AMP sequence variant interpretation guidelines (Richards et al. 2015 PMID: 25741868, with internal and published modifications).